The following is an entry in ClinVar:

ClinVar aggregate classification (germline): Pathogenic (1 of 4 stars; one submission).

Conditions:
Waardenburg syndrome type 2A (WS2A). Also called: WAARDENBURG SYNDROME WITHOUT DYSTOPIA CANTHORUM. Identifiers: Orphanet 3440, MedGen C1860339, MONDO:0008671, OMIM 193510.

Submission:

Institute of Rare Diseases, West China Hospital, Sichuan University
Classification: Pathogenic for Waardenburg syndrome type 2A. Last evaluated: 2025-01-09. Review status: criteria provided, single submitter. Criteria: ClinGen HL ACMG Specifications v1. Collection method: research. Allele origin: germline. Affected: yes.
Comment: PM1;PVS1;PM2_Supporting

NM_001354604.2(MITF):c.772_773del (p.Ser258fs)

Gene: MITF (melanocyte inducing transcription factor; plus strand). Cytogenetic location: 3p13.
Variant type: Microsatellite.
Coding change: c.772_773del on transcript NM_001354604.2 (MANE Select); coding-DNA positions 772 to 773, 2 bases deleted (TC; older notation c.772_773delTC).
Protein change: p.Ser258fs; shifts the reading frame from serine 258.
Molecular consequence: frameshift variant.
Genome position (GRCh38, 1-based): chr3:69,949,060-69,949,061, TC deleted; deleting any 2 consecutive bases within chr3:69,949,058-69,949,061 gives the same sequence; the c. name uses the placement nearest the transcript's 3' end. VCF-style (leftmost placement, unchanged base first): chr3-69949057-GTC-G. GRCh37 (hg19) VCF-style: chr3-69998208-GTC-G.
Other names: c.451_452del, p.Ser151fs (NM_000248.4, NM_198158.3); c.616_617del, p.Ser206fs (NM_001184967.2, NM_001354608.2); c.769_770del, p.Ser257fs (NM_001354605.2, NM_001354606.2, NM_006722.3); c.721_722del, p.Ser241fs (NM_001354607.2); c.772_773del, p.Ser258fs (NM_198159.3); c.724_725del, p.Ser242fs (NM_198177.3); c.283_284del, p.Ser95fs (NM_198178.3); short protein forms S151fs, S206fs, S241fs, S242fs, S257fs, S258fs, S95fs.
Identifiers: ClinVar variation 3601248 (VCV003601248.1).
Genomic context (GRCh38, chr3:69,949,057, plus strand): 5'-AAAACATGGGAATTGTTCAACAGTTAATTTCTGTTACTGTTTGTCTCTCTCTAGTTGCCT[GTC>G]TCGGGAAACTTGATTGATCTTTATGGAAACCAAGGTCTGCCCCCACCAGGCCTCACCATC-3'